The following is an entry in ClinVar:

ClinVar aggregate classification (germline): Uncertain significance (1 of 4 stars; one submission).

Allele frequency attached by ClinVar (database versions not stated): gnomAD 0.00001; gnomAD exomes 0.00001; TOPMed 0.00002; ExAC 0.00004.
gnomAD v4.1: 17 of 1,549,778 alleles (0.0011%); highest among the groups gnomAD compares: East Asian, 0.014%; no homozygotes.

Submission:

Labcorp Genetics (formerly Invitae), Labcorp
Classification: Uncertain significance. Last evaluated: 2023-10-13. Review status: criteria provided, single submitter. Criteria: Invitae Variant Classification Sherloc (09022015). Collection method: clinical testing. Allele origin: germline.
Comment: This sequence change replaces arginine, which is basic and polar, with cysteine, which is neutral and slightly polar, at codon 1139 of the DCHS1 protein (p.Arg1139Cys). This variant is present in population databases (rs757309797, gnomAD 0.006%). This missense change has been observed in individual(s) with clinical features of DCHS1-related conditions (PMID: 26846766). ClinVar contains an entry for this variant (Variation ID: 2136998). Advanced modeling of protein sequence and biophysical properties (such as structural, functional, and spatial information, amino acid conservation, physicochemical variation, residue mobility, and thermodynamic stability) has been performed at Invitae for this missense variant, however the output from this modeling did not meet the statistical confidence thresholds required to predict the impact of this variant on DCHS1 protein function. In summary, the available evidence is currently insufficient to determine the role of this variant in disease. Therefore, it has been classified as a Variant of Uncertain Significance.

Literature cited by the submitters: PubMed 26846766.

NM_003737.4(DCHS1):c.3415C>T (p.Arg1139Cys)

Gene: DCHS1 (dachsous cadherin-related 1; minus strand). Cytogenetic location: 11p15.4.
Variant type: single nucleotide variant.
Coding change: c.3415C>T on transcript NM_003737.4 (MANE Select); coding-DNA position 3415, C replaced by T.
Protein change: p.Arg1139Cys; replaces arginine 1139 with cysteine.
Molecular consequence: missense variant.
Genome position (GRCh38, 1-based): chr11:6,632,097, G>A on the plus strand (C>T on the coding strand, the complement: DCHS1 is on the minus strand). VCF-style: chr11-6632097-G-A. GRCh37 (hg19) VCF-style: chr11-6653328-G-A.
Other names: short protein forms R1139C.
Identifiers: ClinVar variation 2136998 (VCV002136998.4), dbSNP rs757309797, ClinGen allele CA5860548.